The following is an entry in ClinVar:

ClinVar aggregate classification (germline): Uncertain significance. Review status: criteria provided, multiple submitters, no conflicts (2 of 4 stars). 2 submissions from 2 submitters: Uncertain significance (2). Last evaluated 2025-05-12.

Conditions:
Hereditary cancer-predisposing syndrome. Also called: Neoplastic Syndromes, Hereditary; Hereditary Cancer Syndrome; Hereditary neoplastic syndrome; Tumor predisposition. Identifiers: Orphanet 140162, MedGen C0027672, MeSH D009386, MONDO:0015356.
Cardiovascular phenotype. Identifiers: MedGen CN230736.
Neurofibromatosis, type 1 (NF1). Also called: Neurofibromatosis, type I; Peripheral type neurofibromatosis; VON RECKLINGHAUSEN DISEASE; NEUROFIBROMATOSIS, TYPE I, SOMATIC. Identifiers: Orphanet 636, MedGen C0027831, MONDO:0018975, OMIM 162200. Disease mechanism: loss of function.

Submissions (2):

Labcorp Genetics (formerly Invitae), Labcorp
Classification: Uncertain significance for Neurofibromatosis, type 1. Last evaluated: 2025-05-12. Review status: criteria provided, single submitter. Criteria: Invitae Variant Classification Sherloc (09022015). Collection method: clinical testing. Allele origin: germline.
Comment: This sequence change replaces leucine, which is neutral and non-polar, with phenylalanine, which is neutral and non-polar, at codon 2418 of the NF1 protein (p.Leu2418Phe). This variant is not present in population databases (gnomAD no frequency). This variant has not been reported in the literature in individuals affected with NF1-related conditions. ClinVar contains an entry for this variant (Variation ID: 826935). Invitae Evidence Modeling of protein sequence and biophysical properties (such as structural, functional, and spatial information, amino acid conservation, physicochemical variation, residue mobility, and thermodynamic stability) indicates that this missense variant is not expected to disrupt NF1 protein function with a negative predictive value of 95%. In summary, the available evidence is currently insufficient to determine the role of this variant in disease. Therefore, it has been classified as a Variant of Uncertain Significance.

Ambry Genetics
Classification: Uncertain significance for Cardiovascular phenotype; Hereditary cancer-predisposing syndrome. Last evaluated: 2018-01-26. Review status: criteria provided, single submitter. Criteria: Ambry Variant Classification Scheme 2023. Collection method: clinical testing. Allele origin: germline.
Comment: The p.L2418F variant (also known as c.7254A>C), located in coding exon 48 of the NF1 gene, results from an A to C substitution at nucleotide position 7254. The leucine at codon 2418 is replaced by phenylalanine, an amino acid with highly similar properties. This amino acid position is highly conserved in available vertebrate species. In addition, the in silico prediction for this alteration is inconclusive. Since supporting evidence is limited at this time, the clinical significance of this alteration remains unclear.

NM_001042492.3(NF1):c.7317A>C (p.Leu2439Phe)

Gene: NF1 (neurofibromin 1; plus strand). Cytogenetic location: 17q11.2.
Variant type: single nucleotide variant.
Coding change: c.7317A>C on transcript NM_001042492.3 (MANE Select); coding-DNA position 7317, A replaced by C.
Protein change: p.Leu2439Phe; replaces leucine 2439 with phenylalanine.
Molecular consequence: missense variant.
Genome position (GRCh38, 1-based): chr17:31,349,247, A>C. VCF-style: chr17-31349247-A-C. GRCh37 (hg19) VCF-style: chr17-29676265-A-C.
Other names: c.7254A>C, p.Leu2418Phe (NM_000267.4); short protein forms L2418F, L2439F.
Identifiers: ClinVar variation 826935 (VCV000826935.9), dbSNP rs1597858633, ClinGen allele CA399016921.
Genomic context (GRCh38, chr17:31,349,247, plus strand): 5'-GGTTAACAAACACAGAAATTGTGACAAATTTGAAGTGAATACACAGAGCGTGGCCTACTT[A>C]GCAGGTAAAAACACAAAATAAACAAAATTAATCTTGCTACATCTATATATAAGGATCACC-3'
Protein context (NP_001035957.1, residues 2429-2449): FEVNTQSVAY[Leu2439Phe]AALLTVSEEV